The following is an entry in ClinVar:

ClinVar aggregate classification (germline): Uncertain significance. Review status: criteria provided, multiple submitters, no conflicts (2 of 4 stars). 2 submissions from 2 submitters: Uncertain significance (2). Last evaluated 2024-09-02.

Conditions:
Cardiovascular phenotype. Identifiers: MedGen CN230736.

Allele frequency attached by ClinVar (database versions not stated): TOPMed below 0.00001; gnomAD exomes 0.00002.
gnomAD v4.1: 23 of 1,502,432 alleles (0.0015%); highest among the groups gnomAD compares: Middle Eastern, 0.02%; no homozygotes.

Submissions (2):

Labcorp Genetics (formerly Invitae), Labcorp
Classification: Uncertain significance. Last evaluated: 2024-09-02. Review status: criteria provided, single submitter. Criteria: Invitae Variant Classification Sherloc (09022015). Collection method: clinical testing. Allele origin: germline.
Comment: This sequence change replaces serine, which is neutral and polar, with asparagine, which is neutral and polar, at codon 235 of the ALPK3 protein (p.Ser235Asn). The frequency data for this variant in the population databases is considered unreliable, as metrics indicate poor data quality at this position in the gnomAD database. This variant has not been reported in the literature in individuals affected with ALPK3-related conditions. ClinVar contains an entry for this variant (Variation ID: 1967650). An algorithm developed to predict the effect of missense changes on protein structure and function (PolyPhen-2) suggests that this variant is likely to be disruptive. In summary, the available evidence is currently insufficient to determine the role of this variant in disease. Therefore, it has been classified as a Variant of Uncertain Significance.

Ambry Genetics
Classification: Uncertain significance for Cardiovascular phenotype. Last evaluated: 2023-06-30. Review status: criteria provided, single submitter. Criteria: Ambry Variant Classification Scheme 2023. Collection method: clinical testing. Allele origin: germline.
Comment: The p.S235N variant (also known as c.704G>A), located in coding exon 1 of the ALPK3 gene, results from a G to A substitution at nucleotide position 704. The serine at codon 235 is replaced by asparagine, an amino acid with highly similar properties. This variant was detected in a cardiomyopathy genetic testing cohort; however, clinical details were limited, and additional cardiac variants were detected in some cases (van Lint FHM et al. Neth Heart J, 2019 Jun;27:304-309).This amino acid position is not well conserved in available vertebrate species. In addition, this alteration is predicted to be tolerated by in silico analysis. Since supporting evidence is limited at this time, the clinical significance of this alteration remains unclear.

Literature cited by the submitters: PubMed 30847666 (cited by Ambry Genetics).

NM_020778.5(ALPK3):c.98G>A (p.Ser33Asn)

Gene: ALPK3 (alpha kinase 3; plus strand). Cytogenetic location: 15q25.3.
Variant type: single nucleotide variant.
Coding change: c.98G>A on transcript NM_020778.5 (MANE Select); coding-DNA position 98, G replaced by A.
Protein change: p.Ser33Asn; replaces serine 33 with asparagine.
Molecular consequence: missense variant.
Genome position (GRCh38, 1-based): chr15:84,817,550, G>A. VCF-style: chr15-84817550-G-A. GRCh37 (hg19) VCF-style: chr15-85360781-G-A.
Other names: c.704G>A (NM_020778.4); short protein forms S33N.
Identifiers: ClinVar variation 1967650 (VCV001967650.7), dbSNP rs1300190123, ClinGen allele CA393369465.